The following is an entry in ClinVar:

ClinVar aggregate classification (germline): Benign (1 of 4 stars; one submission).

Submission:

ISCA site 4
Classification: Benign. Last evaluated: 2011-08-12. Review status: criteria provided, single submitter. Criteria: Kaminsky et al. (Genet Med. 2011). Collection method: clinical testing. Allele origin: unknown. Affected: yes. Observed: 1 variant allele.
Comment: Copy number variation identified through the course of routine clinical cytogenomic testing in postnatal populations. Clinical assertions have been curated as described in Kaminsky et al. 2011.

GRCh38/hg38 10q11.22(chr10:46157935-47923579)x3

Genes: NPY4R (neuropeptide Y receptor Y4; minus strand), NPY4R2 (neuropeptide Y receptor Y4-2; plus strand), PTPN20 (protein tyrosine phosphatase non-receptor type 20; plus strand), RBP3 (retinol binding protein 3; plus strand), SYT15 (synaptotagmin 15; plus strand) and 31 more. Cytogenetic location: 10q11.22.
Variant type: copy number gain.
Change: copy number 3 (three copies instead of two) of chr10:46,157,935-47,923,579 (1.77 Mb, GRCh38 coordinates, 1-based), cytogenetic band 10q11.22.
Identifiers: ClinVar variation 160988 (VCV000160988.1).